The following is an entry in ClinVar:

ClinVar aggregate classification (germline): Uncertain significance (1 of 4 stars; one submission).

gnomAD v4.1: 1 of 1,613,894 alleles (0.000062%); highest among the groups gnomAD compares: African/African-American, 0.0013%; no homozygotes.

Submission:

GeneDx
Classification: Uncertain significance. Last evaluated: 2024-09-05. Review status: criteria provided, single submitter. Criteria: GeneDx Variant Classification Process June 2021. Collection method: clinical testing. Allele origin: germline. Affected: yes.
Comment: Not observed at significant frequency in large population cohorts (gnomAD); In silico analysis supports that this missense variant does not alter protein structure/function; Has not been previously published as pathogenic or benign to our knowledge

NM_014991.6(WDFY3):c.2725A>T (p.Ser909Cys)

Genes: WDFY3 (WD repeat and FYVE domain containing 3; minus strand), WDFY3-AS1 (WDFY3 antisense RNA 1; plus strand). Cytogenetic location: 4q21.23.
Variant type: single nucleotide variant.
Coding change: c.2725A>T on transcript NM_014991.6 (MANE Select); coding-DNA position 2725, A replaced by T.
Protein change: p.Ser909Cys; replaces serine 909 with cysteine.
Molecular consequence: missense variant.
Genome position (GRCh38, 1-based): chr4:84,801,747, T>A on the plus strand (A>T on the coding strand, the complement: WDFY3 is on the minus strand). VCF-style: chr4-84801747-T-A. GRCh37 (hg19) VCF-style: chr4-85722900-T-A.
Other names: short protein forms S909C.
Identifiers: ClinVar variation 1809979 (VCV001809979.2), dbSNP rs1750606141, ClinGen allele CA357563970.